The following is an entry in ClinVar:

ClinVar aggregate classification (germline): Uncertain significance (1 of 4 stars; one submission).

Conditions:
GM3 synthase deficiency (SPDRS). Also called: AMISH INFANTILE EPILEPSY SYNDROME; SALT AND PEPPER MENTAL RETARDATION SYNDROME; SALT AND PEPPER DEVELOPMENTAL REGRESSION SYNDROME. Identifiers: Orphanet 171714, Orphanet 370933, MedGen C1836824, MONDO:0018274, OMIM 609056.

Submission:

Labcorp Genetics (formerly Invitae), Labcorp
Classification: Uncertain significance for GM3 synthase deficiency. Last evaluated: 2020-06-22. Review status: criteria provided, single submitter. Criteria: Invitae Variant Classification Sherloc (09022015). Collection method: clinical testing. Allele origin: germline.
Comment: This sequence change replaces proline with leucine at codon 160 of the ST3GAL5 protein (p.Pro160Leu). The proline residue is highly conserved and there is a moderate physicochemical difference between proline and leucine. This variant is not present in population databases (ExAC no frequency). This variant has not been reported in the literature in individuals with ST3GAL5-related conditions. Algorithms developed to predict the effect of missense changes on protein structure and function (SIFT, PolyPhen-2, Align-GVGD) all suggest that this variant is likely to be disruptive, but these predictions have not been confirmed by published functional studies and their clinical significance is uncertain. In summary, the available evidence is currently insufficient to determine the role of this variant in disease. Therefore, it has been classified as a Variant of Uncertain Significance.

NM_003896.4(ST3GAL5):c.479C>T (p.Pro160Leu)

Gene: ST3GAL5 (ST3 beta-galactoside alpha-2,3-sialyltransferase 5; minus strand). Cytogenetic location: 2p11.2.
Variant type: single nucleotide variant.
Coding change: c.479C>T on transcript NM_003896.4 (MANE Select); coding-DNA position 479, C replaced by T.
Protein change: p.Pro160Leu; replaces proline 160 with leucine.
Molecular consequence: missense variant. On other transcripts: 5 prime UTR variant (1).
Genome position (GRCh38, 1-based): chr2:85,848,044, G>A on the plus strand (C>T on the coding strand, the complement: ST3GAL5 is on the minus strand). VCF-style: chr2-85848044-G-A. GRCh37 (hg19) VCF-style: chr2-86075167-G-A.
Other names: c.410C>T, p.Pro137Leu (NM_001042437.2); c.95C>T, p.Pro32Leu (NM_001354223.2, NM_001354224.2, NM_001354226.2 and 3 more transcripts); c.395C>T, p.Pro132Leu (NM_001354227.2, NM_001354229.2, NM_001354238.1); c.-426C>T (NM_001354247.1); c.479C>T, p.Pro160Leu (NM_001363847.1); short protein forms P132L, P160L, P137L, P32L.
Identifiers: ClinVar variation 1045304 (VCV001045304.9), dbSNP rs1553405319, ClinGen allele CA347532391.